The following is an entry in ClinVar:

ClinVar aggregate classification (germline): Likely benign. Review status: criteria provided, multiple submitters, no conflicts (2 of 4 stars). 2 submissions from 2 submitters: Likely benign (2). Last evaluated 2025-10-28.

Conditions:
Adams-Oliver syndrome 5 (AOS5). Identifiers: Orphanet 974, MedGen C4014970, MONDO:0014459, OMIM 616028.

Allele frequency attached by ClinVar (database versions not stated): gnomAD 0.00001; TOPMed 0.00002.
gnomAD v4.1: 7 of 1,490,286 alleles (0.00047%); highest among the groups gnomAD compares: African/African-American, 0.0042%; no homozygotes.

Submissions (2):

Labcorp Genetics (formerly Invitae), Labcorp
Classification: Likely benign for Adams-Oliver syndrome 5. Last evaluated: 2025-10-28. Review status: criteria provided, single submitter. Criteria: Invitae Variant Classification Sherloc (09022015). Collection method: clinical testing. Allele origin: germline.

GeneDx
Classification: Likely benign. Last evaluated: 2018-01-11. Review status: criteria provided, single submitter. Criteria: GeneDx Variant Classification (06012015). Collection method: clinical testing. Allele origin: germline. Affected: yes.
Comment: This variant is considered likely benign or benign based on one or more of the following criteria: it is a conservative change, it occurs at a poorly conserved position in the protein, it is predicted to be benign by multiple in silico algorithms, and/or has population frequency not consistent with disease.

NM_017617.5(NOTCH1):c.5168-15C>T

Gene: NOTCH1 (notch receptor 1; minus strand). Cytogenetic location: 9q34.3.
Variant type: single nucleotide variant.
Coding change: c.5168-15C>T on transcript NM_017617.5 (MANE Select); 15 bases into the intron before coding-DNA position 5168, C replaced by T.
Molecular consequence: intron variant.
Genome position (GRCh38, 1-based): chr9:136,502,503, G>A on the plus strand (C>T on the coding strand, the complement: NOTCH1 is on the minus strand). VCF-style: chr9-136502503-G-A. GRCh37 (hg19) VCF-style: chr9-139396955-G-A.
Other names: c.5168-15C>T (LRG_1122t1).
Identifiers: ClinVar variation 514566 (VCV000514566.4), dbSNP rs1422578873, ClinGen allele CA591366885.